The following is an entry in ClinVar:

ClinVar aggregate classification (germline): Uncertain significance. Review status: criteria provided, multiple submitters, no conflicts (2 of 4 stars). 4 submissions from 4 submitters: Uncertain significance (4). Last evaluated 2025-12-13.

Conditions:
Carney complex, type 1 (CNC1). Also called: CARNEY COMPLEX, TYPE I; CARNEY MYXOMA-ENDOCRINE COMPLEX. Identifiers: Orphanet 1359, MedGen C2607929, MONDO:0008057, OMIM 160980.
Hereditary cancer-predisposing syndrome. Also called: Tumor predisposition; Neoplastic Syndromes, Hereditary; Hereditary neoplastic syndrome; Hereditary Cancer Syndrome. Identifiers: Orphanet 140162, MedGen C0027672, MeSH D009386, MONDO:0015356.

Allele frequency attached by ClinVar (database versions not stated): gnomAD exomes below 0.00001; TOPMed below 0.00001; ExAC 0.00001; gnomAD 0.00001.
gnomAD v4.1: 5 of 1,613,336 alleles (0.00031%); highest among the groups gnomAD compares: African/African-American, 0.004%; no homozygotes.

Submissions (4):

Labcorp Genetics (formerly Invitae), Labcorp
Classification: Uncertain significance for Carney complex, type 1. Last evaluated: 2025-12-13. Review status: criteria provided, single submitter. Criteria: Invitae Variant Classification Sherloc (09022015). Collection method: clinical testing. Allele origin: germline.
Comment: This sequence change replaces serine, which is neutral and polar, with arginine, which is basic and polar, at codon 9 of the PRKAR1A protein (p.Ser9Arg). This variant is present in population databases (rs745391692, gnomAD 0.003%). This variant has not been reported in the literature in individuals affected with PRKAR1A-related conditions. ClinVar contains an entry for this variant (Variation ID: 633376). Invitae Evidence Modeling of protein sequence and biophysical properties (such as structural, functional, and spatial information, amino acid conservation, physicochemical variation, residue mobility, and thermodynamic stability) indicates that this missense variant is not expected to disrupt PRKAR1A protein function with a negative predictive value of 95%. In summary, the available evidence is currently insufficient to determine the role of this variant in disease. Therefore, it has been classified as a Variant of Uncertain Significance.

Ambry Genetics
Classification: Uncertain significance for Hereditary cancer-predisposing syndrome. Last evaluated: 2024-08-26. Review status: criteria provided, single submitter. Criteria: Ambry Variant Classification Scheme 2023. Collection method: clinical testing. Allele origin: germline.
Comment: The p.S9R variant (also known as c.27T>G), located in coding exon 1 of the PRKAR1A gene, results from a T to G substitution at nucleotide position 27. The serine at codon 9 is replaced by arginine, an amino acid with dissimilar properties. This amino acid position is not well conserved in available vertebrate species. In addition, the in silico prediction for this alteration is inconclusive. Since supporting evidence is limited at this time, the clinical significance of this alteration remains unclear.

GeneDx
Classification: Uncertain significance. Last evaluated: 2023-11-22. Review status: criteria provided, single submitter. Criteria: GeneDx Variant Classification Process June 2021. Collection method: clinical testing. Allele origin: germline. Affected: yes.
Comment: Not observed at significant frequency in large population cohorts (gnomAD); In silico analysis supports that this missense variant does not alter protein structure/function; Has not been previously published as pathogenic or benign to our knowledge; This variant is associated with the following publications: (PMID: 18241045)

Women's Health and Genetics/Laboratory Corporation of America, LabCorp
Classification: Uncertain significance. Last evaluated: 2022-09-27. Review status: criteria provided, single submitter. Criteria: LabCorp Variant Classification Summary - May 2015. Collection method: clinical testing. Allele origin: germline.
Comment: Variant summary: PRKAR1A c.27T>G (p.Ser9Arg) results in a non-conservative amino acid change in the encoded protein sequence. Three of five in-silico tools predict a damaging effect of the variant on protein function. The variant allele was found at a frequency of 4e-06 in 251456 control chromosomes (gnomAD). The available data on variant occurrences in the general population are insufficient to allow any conclusion about variant significance. To our knowledge, no occurrence of c.27T>G in individuals affected with Carney Complex or other PRKAR1A-related conditions and no experimental evidence demonstrating its impact on protein function have been reported. Two clinical diagnostic laboratories have submitted clinical-significance assessments for this variant to ClinVar after 2014 and both classified the variant as uncertain significance. Based on the evidence outlined above, the variant was classified as uncertain significance.

Literature cited by the submitters: PubMed 18241045 (cited by Ambry Genetics).

NM_002734.5(PRKAR1A):c.27T>G (p.Ser9Arg)

Gene: PRKAR1A (protein kinase cAMP-dependent type I regulatory subunit alpha; plus strand). Cytogenetic location: 17q24.2.
Variant type: single nucleotide variant.
Coding change: c.27T>G on transcript NM_002734.5 (MANE Select); coding-DNA position 27, T replaced by G.
Protein change: p.Ser9Arg; replaces serine 9 with arginine.
Molecular consequence: missense variant.
Genome position (GRCh38, 1-based): chr17:68,515,426, T>G. VCF-style: chr17-68515426-T-G. GRCh37 (hg19) VCF-style: chr17-66511567-T-G.
Other names: c.27T>G, p.Ser9Arg (NM_001276289.2, NM_001276290.1, NM_001278433.2 and 4 more transcripts); short protein forms S9R.
Identifiers: ClinVar variation 633376 (VCV000633376.16), dbSNP rs745391692, ClinGen allele CA8729142.